The following is an entry in ClinVar:

ClinVar aggregate classification (germline): Uncertain significance (1 of 4 stars; one submission).

Allele frequency attached by ClinVar (database versions not stated): gnomAD 0.00003; ESP Exome Variant Server 0.00008; ExAC 0.00001; gnomAD exomes 0.00002; TOPMed 0.00002.
gnomAD v4.1: 39 of 1,614,052 alleles (0.0024%); highest among the groups gnomAD compares: Non-Finnish European, 0.0031%; no homozygotes.

Submission:

Ambry Genetics
Classification: Uncertain significance. Last evaluated: 2026-06-22. Review status: criteria provided, single submitter. Criteria: Ambry Variant Classification Scheme 2023. Collection method: clinical testing. Allele origin: germline.
Comment: The c.5858C>T (p.A1953V) alteration is located in exon 34 (coding exon 33) of the CABIN1 gene. This alteration results from a C to T substitution at nucleotide position 5858, causing the alanine (A) at amino acid position 1953 to be replaced by a valine (V). Based on data from gnomAD, the T allele has an overall frequency of 0.003% (7/282744) total alleles studied. The highest observed frequency was 0.005% (7/129092) of European (non-Finnish) alleles. Based on insufficient or conflicting evidence, the clinical significance of this alteration remains unclear.

NM_012295.4(CABIN1):c.5858C>T (p.Ala1953Val)

Gene: CABIN1 (calcineurin binding protein 1; plus strand). Cytogenetic location: 22q11.23.
Variant type: single nucleotide variant.
Coding change: c.5858C>T on transcript NM_012295.4 (MANE Select); coding-DNA position 5858, C replaced by T.
Protein change: p.Ala1953Val; replaces alanine 1953 with valine.
Molecular consequence: missense variant.
Genome position (GRCh38, 1-based): chr22:24,171,813, C>T. VCF-style: chr22-24171813-C-T. GRCh37 (hg19) VCF-style: chr22-24567781-C-T.
Other names: c.5858C>T, p.Ala1953Val (NM_001199281.1); c.5708C>T, p.Ala1903Val (NM_001201429.2); short protein forms A1953V, A1903V.
Identifiers: ClinVar variation 3136210 (VCV003136210.2), dbSNP rs376047136, ClinGen allele CA10149879.